The following is an entry in ClinVar:

ClinVar aggregate classification (germline): Conflicting classifications of pathogenicity. Review status: criteria provided, conflicting classifications (1 of 4 stars). 3 submissions from 3 submitters: Uncertain significance (2); Likely benign (1). Last evaluated 2025-12-24.

Conditions:
Cardiovascular phenotype. Identifiers: MedGen CN230736.

Allele frequency attached by ClinVar (database versions not stated): gnomAD exomes 0.00002 and 0.00005; gnomAD 0.00003 and 0.00004; TOPMed 0.00003; ESP Exome Variant Server 0.00022.
gnomAD v4.1: 77 of 1,549,920 alleles (0.005%); highest among the groups gnomAD compares: Non-Finnish European, 0.0065%; no homozygotes.

Submissions (3):

Women's Health and Genetics/Laboratory Corporation of America, LabCorp
Classification: Uncertain significance. Last evaluated: 2025-12-24. Review status: criteria provided, single submitter. Criteria: LabCorp Variant Classification Summary - May 2015. Collection method: clinical testing. Allele origin: germline.
Comment: Variant summary: ZNF469 c.7975G>A (p.Gly2659Arg) results in a non-conservative amino acid change in the encoded protein sequence. Algorithms developed to predict the effect of missense changes on protein structure and function are either unavailable or do not agree on the potential impact of this missense change. The variant allele was found at a frequency of 2e-05 in 153146 control chromosomes. The available data on variant occurrences in the general population are insufficient to allow any conclusion about variant significance. To our knowledge, no occurrence of c.7975G>A in individuals affected with ZNF469-related conditions and no experimental evidence demonstrating its impact on protein function have been reported. ClinVar contains an entry for this variant (Variation ID: 1488581). Based on the evidence outlined above, the variant was classified as uncertain significance.

Labcorp Genetics (formerly Invitae), Labcorp
Classification: Uncertain significance. Last evaluated: 2024-10-16. Review status: criteria provided, single submitter. Criteria: Invitae Variant Classification Sherloc (09022015). Collection method: clinical testing. Allele origin: germline.
Comment: This sequence change replaces glycine, which is neutral and non-polar, with arginine, which is basic and polar, at codon 2631 of the ZNF469 protein (p.Gly2631Arg). This variant is present in population databases (rs370043591, gnomAD 0.007%). This variant has not been reported in the literature in individuals affected with ZNF469-related conditions. ClinVar contains an entry for this variant (Variation ID: 1488581). An algorithm developed to predict the effect of missense changes on protein structure and function outputs the following: PolyPhen-2: "Benign". The arginine amino acid residue is found in multiple mammalian species, which suggests that this missense change does not adversely affect protein function. In summary, the available evidence is currently insufficient to determine the role of this variant in disease. Therefore, it has been classified as a Variant of Uncertain Significance.

Ambry Genetics
Classification: Likely benign for Cardiovascular phenotype. Last evaluated: 2023-07-08. Review status: criteria provided, single submitter. Criteria: Ambry Variant Classification Scheme 2023. Collection method: clinical testing. Allele origin: germline.

NM_001367624.2(ZNF469):c.7975G>A (p.Gly2659Arg)

Gene: ZNF469 (zinc finger protein 469; plus strand). Cytogenetic location: 16q24.2.
Variant type: single nucleotide variant.
Coding change: c.7975G>A on transcript NM_001367624.2 (MANE Select); coding-DNA position 7975, G replaced by A.
Protein change: p.Gly2659Arg; replaces glycine 2659 with arginine.
Molecular consequence: missense variant.
Genome position (GRCh38, 1-based): chr16:88,435,445, G>A. VCF-style: chr16-88435445-G-A. GRCh37 (hg19) VCF-style: chr16-88501853-G-A.
Other names: NM_001127464.1:c.7891G>A; short protein forms G2659R.
Identifiers: ClinVar variation 1488581 (VCV001488581.8), dbSNP rs370043591, ClinGen allele CA286383309.